The following is an entry in ClinVar:

NM_133642.5(LARGE1):c.1570A>C (p.Met524Leu)

Gene: LARGE1 (LARGE xylosyl- and glucuronyltransferase 1; minus strand). Cytogenetic location: 22q12.3.
Variant type: single nucleotide variant.
Coding change: c.1570A>C on transcript NM_133642.5 (MANE Select); coding-DNA position 1570, A replaced by C.
Protein change: p.Met524Leu; replaces methionine 524 with leucine.
Molecular consequence: missense variant.
Genome position (GRCh38, 1-based): chr22:33,304,389, T>G on the plus strand (A>C on the coding strand, the complement: LARGE1 is on the minus strand). VCF-style: chr22-33304389-T-G. GRCh37 (hg19) VCF-style: chr22-33700375-T-G.
Other names: c.1570A>C, p.Met524Leu (NM_001362949.2, NM_001362951.2, NM_001362953.2 and 6 more transcripts); c.1414A>C, p.Met472Leu (NM_001378629.1); c.967A>C, p.Met323Leu (NM_001378630.1); c.811A>C, p.Met271Leu (NM_001378631.1); short protein forms M271L, M323L, M472L, M524L.
Identifiers: ClinVar variation 1312448 (VCV001312448.2), dbSNP rs2146165030, ClinGen allele CA411544438.
Genomic context (GRCh38, chr22:33,304,389, plus strand): 5'-TCACGGGGTAGAACTGGCCCTCCTTGTACACGATGTGGTAGCCCACGTTGTGGCGGCTCA[T>G]AAGCACCTCAGAGCCCTGTGCGTAGCGGAGGAACTGCTGGGCCTCGGCGTCTGACAGGTA-3'
Protein context (NP_598397.1, residues 514-534): LRYAQGSEVL[Met524Leu]SRHNVGYHIV

ClinVar aggregate classification (germline): Uncertain significance (1 of 4 stars; one submission).

Submission:

GeneDx
Classification: Uncertain significance. Last evaluated: 2019-09-13. Review status: criteria provided, single submitter. Criteria: GeneDx Variant Classification Process June 2021. Collection method: clinical testing. Allele origin: germline. Affected: yes.
Comment: Not observed in large population cohorts (Lek et al., 2016); In silico analysis, which includes protein predictors and evolutionary conservation, supports that this variant does not alter protein structure/function; Has not been previously published as pathogenic or benign to our knowledge